The following is an entry in ClinVar:

NM_004360.5(CDH1):c.2374A>T (p.Met792Leu)

Gene: CDH1 (cadherin 1; plus strand). Cytogenetic location: 16q22.1.
Variant type: single nucleotide variant.
Coding change: c.2374A>T on transcript NM_004360.5 (MANE Select); coding-DNA position 2374, A replaced by T.
Protein change: p.Met792Leu; replaces methionine 792 with leucine.
Molecular consequence: missense variant.
Genome position (GRCh38, 1-based): chr16:68,829,732, A>T. VCF-style: chr16-68829732-A-T. GRCh37 (hg19) VCF-style: chr16-68863635-A-T.
Other names: c.2191A>T, p.Met731Leu (NM_001317184.2); c.826A>T, p.Met276Leu (NM_001317185.2); c.409A>T, p.Met137Leu (NM_001317186.2); short protein forms M137L, M276L, M792L, M731L.
Identifiers: ClinVar variation 3722298 (VCV003722298.2).

ClinVar aggregate classification (germline): Uncertain significance (1 of 4 stars; one submission).

Conditions:
Hereditary diffuse gastric adenocarcinoma (HDGC). Also called: DIFFUSE GASTRIC AND LOBULAR BREAST CANCER SYNDROME. Identifiers: Orphanet 26106, MedGen C1708349, MONDO:0007648, OMIM 137215.

Submission:

Labcorp Genetics (formerly Invitae), Labcorp
Classification: Uncertain significance for Hereditary diffuse gastric adenocarcinoma. Last evaluated: 2024-10-06. Review status: criteria provided, single submitter. Criteria: Invitae Variant Classification Sherloc (09022015). Collection method: clinical testing. Allele origin: germline.
Comment: This sequence change replaces methionine, which is neutral and non-polar, with leucine, which is neutral and non-polar, at codon 792 of the CDH1 protein (p.Met792Leu). This variant is not present in population databases (gnomAD no frequency). This variant has not been reported in the literature in individuals affected with CDH1-related conditions. An algorithm developed to predict the effect of missense changes on protein structure and function outputs the following: PolyPhen-2: "Benign". The leucine amino acid residue is found in multiple mammalian species, which suggests that this missense change does not adversely affect protein function. In summary, the available evidence is currently insufficient to determine the role of this variant in disease. Therefore, it has been classified as a Variant of Uncertain Significance.